The following is an entry in ClinVar:

NM_001386795.1(DTNA):c.1770C>A (p.Ser590=)

Gene: DTNA (dystrobrevin alpha; plus strand). Cytogenetic location: 18q12.1.
Variant type: single nucleotide variant.
Coding change: c.1770C>A on transcript NM_001386795.1 (MANE Select); coding-DNA position 1770, C replaced by A.
Protein change: p.Ser590=; no amino-acid change (serine 590 retained).
Molecular consequence: synonymous variant.
Genome position (GRCh38, 1-based): chr18:34,875,265, C>A. VCF-style: chr18-34875265-C-A. GRCh37 (hg19) VCF-style: chr18-32455229-C-A.
Other names: c.1509C>A, p.Ser503= (NM_001198938.2, NM_001198940.2, NM_001386753.1 and 5 more transcripts); c.1530C>A, p.Ser510= (NM_001198939.2); c.816C>A, p.Ser272= (NM_001198942.1); c.759C>A, p.Ser253= (NM_001198943.1); c.645C>A, p.Ser215= (NM_001198944.1); c.1599C>A, p.Ser533= (NM_001386754.1, NM_001386755.1, NM_001386756.1 and 3 more transcripts); c.1596C>A, p.Ser532= (NM_001386760.1); c.1518C>A, p.Ser506= (NM_001386761.1, NM_032975.4); and 5 more.
Identifiers: ClinVar variation 178887 (VCV000178887.10), dbSNP rs570093404, ClinGen allele CA183232.

ClinVar aggregate classification (germline): Likely benign. Review status: criteria provided, multiple submitters, no conflicts (2 of 4 stars). 3 submissions from 3 submitters: Likely benign (3). Last evaluated 2025-02-05.

Conditions:
Left ventricular noncompaction 1 (LVNC1). Also called: LEFT VENTRICULAR NONCOMPACTION 1 WITH OR WITHOUT CONGENITAL HEART DEFECTS. Identifiers: Orphanet 54260, MedGen C1858725, MONDO:0011403, OMIM 604169.

Allele frequency attached by ClinVar (database versions not stated): ExAC 0.00008; 1000 Genomes Project 0.00040; 1000 Genomes Project 30x 0.00047.
gnomAD v4.1: 25 of 1,614,128 alleles (0.0015%); highest among the groups gnomAD compares: South Asian, 0.021%; no homozygotes.

Submissions (3):

Labcorp Genetics (formerly Invitae), Labcorp
Classification: Likely benign for Left ventricular noncompaction 1. Last evaluated: 2025-02-05. Review status: criteria provided, single submitter. Criteria: Invitae Variant Classification Sherloc (09022015). Collection method: clinical testing. Allele origin: germline.

Blueprint Genetics
Classification: Likely benign. Last evaluated: 2020-05-19. Review status: criteria provided, single submitter. Criteria: ACMG Guidelines, 2015. Collection method: clinical testing. Allele origin: germline.

Laboratory for Molecular Medicine, Mass General Brigham Personalized Medicine
Classification: Likely benign. Last evaluated: 2013-04-12. Review status: criteria provided, single submitter. Criteria: LMM Criteria. Collection method: clinical testing. Allele origin: germline. Observed: 1 variant allele.
Comment: Ser506Ser in exon 17 of DTNA: This variant is not expected to have clinical sign ificance because it does not alter an amino acid residue and is not located with in the splice consensus sequence. Ser506Ser in exon 17 of DTNA (allele frequenc y = n/a)